The following is an entry in ClinVar:

NM_005026.5(PIK3CD):c.859G>C (p.Asp287His)

Gene: PIK3CD (phosphatidylinositol-4,5-bisphosphate 3-kinase catalytic subunit delta; plus strand). Cytogenetic location: 1p36.22.
Variant type: single nucleotide variant.
Coding change: c.859G>C on transcript NM_005026.5 (MANE Select); coding-DNA position 859, G replaced by C.
Protein change: p.Asp287His; replaces aspartic acid 287 with histidine.
Molecular consequence: missense variant. On other transcripts: intron variant (1).
Genome position (GRCh38, 1-based): chr1:9,717,037, G>C. VCF-style: chr1-9717037-G-C. GRCh37 (hg19) VCF-style: chr1-9777095-G-C.
Other names: c.859G>C (LRG_191t1); c.859G>C, p.Asp287His (NM_001350234.2); c.781-9G>C (NM_001350235.1); short protein forms D287H.
Identifiers: ClinVar variation 655070 (VCV000655070.11), dbSNP rs1446283598, ClinGen allele CA338301552.

ClinVar aggregate classification (germline): Uncertain significance (1 of 4 stars; one submission).

Conditions:
Immunodeficiency 14 (IMD14A). Also called: p110-DELTA-ACTIVATING MUTATION CAUSING SENESCENT T CELLS, LYMPHADENOPATHY, AND IMMUNODEFICIENCY; IMMUNODEFICIENCY 14A WITH LYMPHOPROLIFERATION, AUTOSOMAL DOMINANT; ACTIVATED PI3K-DELTA SYNDROME 1; Activated PI3K Delta Syndrome Type 1 (APDS1). Identifiers: Orphanet 397596, Orphanet 693661, MedGen C5907821, MONDO:0014222, OMIM 615513.

Allele frequency attached by ClinVar (database versions not stated): gnomAD exomes 0.00001; gnomAD 0.00001; TOPMed 0.00001.
gnomAD v4.1: 6 of 1,613,878 alleles (0.00037%); highest among the groups gnomAD compares: Non-Finnish European, 0.00051%; no homozygotes.

Submission:

Labcorp Genetics (formerly Invitae), Labcorp
Classification: Uncertain significance for Activated PI3K-delta syndrome. Last evaluated: 2025-09-03. Review status: criteria provided, single submitter. Criteria: Invitae Variant Classification Sherloc (09022015). Collection method: clinical testing. Allele origin: germline.
Comment: This sequence change replaces aspartic acid, which is acidic and polar, with histidine, which is basic and polar, at codon 287 of the PIK3CD protein (p.Asp287His). This variant is not present in population databases (gnomAD no frequency). This variant has not been reported in the literature in individuals affected with PIK3CD-related conditions. ClinVar contains an entry for this variant (Variation ID: 655070). Invitae Evidence Modeling of protein sequence and biophysical properties (such as structural, functional, and spatial information, amino acid conservation, physicochemical variation, residue mobility, and thermodynamic stability) indicates that this missense variant is not expected to disrupt PIK3CD protein function with a negative predictive value of 80%. In summary, the available evidence is currently insufficient to determine the role of this variant in disease. Therefore, it has been classified as a Variant of Uncertain Significance.